The following is an entry in ClinVar:

ClinVar aggregate classification (germline): Likely benign (1 of 4 stars; one submission).

Submission:

CeGaT Center for Human Genetics Tuebingen
Classification: Likely benign. Last evaluated: 2023-03-01. Review status: criteria provided, single submitter. Criteria: CeGaT Center For Human Genetics Tuebingen Variant Classification Criteria Version 2. Collection method: clinical testing. Allele origin: germline. Affected: yes. Observed: 1 variant allele.
Comment: CRELD1: PM2:Supporting, BP4, BP7

NM_001077415.3(CRELD1):c.744G>A (p.Glu248=)

Gene: CRELD1 (CRELD disulfide isomerase 1; plus strand). Cytogenetic location: 3p25.3.
Variant type: single nucleotide variant.
Coding change: c.744G>A on transcript NM_001077415.3 (MANE Select); coding-DNA position 744, G replaced by A.
Protein change: p.Glu248=; no amino-acid change (glutamic acid 248 retained).
Molecular consequence: synonymous variant. On other transcripts: non-coding transcript variant (3), intron variant (2).
Genome position (GRCh38, 1-based): chr3:9,942,823, G>A. VCF-style: chr3-9942823-G-A. GRCh37 (hg19) VCF-style: chr3-9984507-G-A.
Other names: c.744G>A, p.Glu248= (NM_001031717.4, NM_001374316.1, NM_001374317.1 and 3 more transcripts); c.734-254G>A (NM_001374319.1, NM_001374320.1).
Identifiers: ClinVar variation 2653505 (VCV002653505.24), dbSNP rs2470515280, ClinGen allele CA432388930.